The following is an entry in ClinVar:

NM_177438.3(DICER1):c.5489T>A (p.Val1830Asp)

Gene: DICER1 (dicer 1, ribonuclease III; minus strand). Cytogenetic location: 14q32.13.
Variant type: single nucleotide variant.
Coding change: c.5489T>A on transcript NM_177438.3 (MANE Select); coding-DNA position 5489, T replaced by A.
Protein change: p.Val1830Asp; replaces valine 1830 with aspartic acid.
Molecular consequence: missense variant. On other transcripts: non-coding transcript variant (6), intron variant (1).
Genome position (GRCh38, 1-based): chr14:95,091,241, A>T on the plus strand (T>A on the coding strand, the complement: DICER1 is on the minus strand). VCF-style: chr14-95091241-A-T. GRCh37 (hg19) VCF-style: chr14-95557578-A-T.
Other names: c.5489T>A, p.Val1830Asp (NM_001271282.3, NM_001291628.2, NM_001395677.1 and 7 more transcripts); c.5207T>A, p.Val1736Asp (NM_001395686.1); c.5084T>A, p.Val1695Asp (NM_001395687.1, NM_001395688.1, NM_001395689.1 and 1 more transcripts); c.4922T>A, p.Val1641Asp (NM_001395691.1); c.3806T>A, p.Val1269Asp (NM_001395697.1); c.5365-132T>A (NM_001195573.1); short protein forms V1269D, V1641D, V1695D, V1736D, V1830D.
Identifiers: ClinVar variation 4882979 (VCV004882979.2).
Genomic context (GRCh38, chr14:95,091,241, plus strand): 5'-TTCTAAAGGGAGCCAACAATACCTATTAGTGGCCGCATCATGGGATAGTACACCTGCCAG[A>T]CTGTCTCCAGTGACATCCCACTATCCATGTAAATGGCACCAGCAAGCGACTCAAAAATAT-3'
Protein context (NP_803187.1, residues 1820-1840): YMDSGMSLET[Val1830Asp]WQVYYPMMRP

ClinVar aggregate classification (germline): Uncertain significance (1 of 4 stars; one submission).

Submission:

Dasa
Classification: Uncertain significance. Last evaluated: 2024-09-03. Review status: criteria provided, single submitter. Criteria: DASA Assertion Criteria. Collection method: clinical testing. Allele origin: germline.
Comment: NM_177438.3(DICER1):c.5489T>A (p.Val1830Asp) is a missense variant that results in the substitution of valine with aspartic acid. The affected residue or protein region has prior evidence supporting clinical relevance. This variant is absent from population databases. Computational prediction algorithms are consistent with a deleterious effect. The currently available literature and clinical evidence are not sufficient to establish a definitive association between this variant and the reported condition. Therefore, this variant is classified as a variant of uncertain significance.